The following is an entry in ClinVar:

NM_003906.5(MCM3AP):c.546_549del (p.Ser183fs)

Gene: MCM3AP (minichromosome maintenance complex component 3 associated protein; minus strand). Cytogenetic location: 21q22.3.
Variant type: Deletion.
Coding change: c.546_549del on transcript NM_003906.5 (MANE Select); coding-DNA positions 546 to 549, 4 bases deleted (TAGT; older notation c.546_549delTAGT).
Protein change: p.Ser183fs; shifts the reading frame from serine 183.
Molecular consequence: frameshift variant.
Genome position (GRCh38, 1-based): chr21:46,284,738-46,284,741, ACTA deleted on the plus strand (TAGT on the coding strand, the reverse complement: MCM3AP is on the minus strand); deleting any 4 consecutive bases within chr21:46,284,738-46,284,742 gives the same sequence; the c. name uses the placement nearest the transcript's 3' end. VCF-style (leftmost placement, unchanged base first): chr21-46284737-TACTA-T. GRCh37 (hg19) VCF-style: chr21-47704651-TACTA-T.
Other names: p.Ser183Valfs*14; short protein forms S183fs.
Identifiers: ClinVar variation 2038561 (VCV002038561.5), dbSNP rs2517439683, ClinGen allele CA2580098990.

ClinVar aggregate classification (germline): Pathogenic/Likely pathogenic. Review status: criteria provided, multiple submitters, no conflicts (2 of 4 stars). 2 submissions from 2 submitters: Pathogenic (1); Likely pathogenic (1). Last evaluated 2025-06-06.

Submissions (2):

Mayo Clinic Laboratories, Mayo Clinic
Classification: Likely pathogenic. Last evaluated: 2025-06-06. Review status: criteria provided, single submitter. Criteria: ACMG Guidelines, 2015. Collection method: clinical testing. Allele origin: germline. Observed: 1 variant allele.
Comment: PM2_supporting, PVS1

Labcorp Genetics (formerly Invitae), Labcorp
Classification: Pathogenic. Last evaluated: 2022-06-02. Review status: criteria provided, single submitter. Criteria: Invitae Variant Classification Sherloc (09022015). Collection method: clinical testing. Allele origin: germline.
Comment: This sequence change creates a premature translational stop signal (p.Ser183Valfs*14) in the MCM3AP gene. It is expected to result in an absent or disrupted protein product. Loss-of-function variants in MCM3AP are known to be pathogenic (PMID: 28633435). This variant is not present in population databases (gnomAD no frequency). This variant has not been reported in the literature in individuals affected with MCM3AP-related conditions. For these reasons, this variant has been classified as Pathogenic.

Literature cited by the submitters: PubMed 28633435 (cited by Labcorp Genetics (formerly Invitae), Labcorp).